The following is an entry in ClinVar:

NM_001130144.3(LTBP3):c.3350C>G (p.Ser1117Cys)

Genes: LTBP3 (latent transforming growth factor beta binding protein 3; minus strand), LOC130006027 (ATAC-STARR-seq lymphoblastoid silent region 3530; plus strand). Cytogenetic location: 11q13.1.
Variant type: single nucleotide variant.
Coding change: c.3350C>G on transcript NM_001130144.3 (MANE Select); coding-DNA position 3350, C replaced by G.
Protein change: p.Ser1117Cys; replaces serine 1117 with cysteine.
Molecular consequence: missense variant. On other transcripts: intron variant (2).
Genome position (GRCh38, 1-based): chr11:65,540,048, G>C on the plus strand (C>G on the coding strand, the complement: LTBP3 is on the minus strand). VCF-style: chr11-65540048-G-C. GRCh37 (hg19) VCF-style: chr11-65307519-G-C.
Other names: c.2894-167C>G (NM_001164266.1); c.3245-167C>G (NM_021070.4); short protein forms S1117C.
Identifiers: ClinVar variation 1730513 (VCV001730513.2), dbSNP rs2496119022, ClinGen allele CA381267082.
Genomic context (GRCh38, chr11:65,540,048, plus strand): 5'-GGCCAAGGCCAACCCTCGCCCTCACCGGCCGGGCTCTCGGGGAGCTGGCAATCGCGGCCG[G>C]AGGGCCCGGGCACCCAGGGCGGGCGACACTCGCAGCGGTAGGAGCCCGGCAGGTTGACGC-3'
Protein context (NP_001123616.1, residues 1107-1127): ECRPPWVPGP[Ser1117Cys]GRDCQLPESP

ClinVar aggregate classification (germline): Uncertain significance (1 of 4 stars; one submission).

Conditions:
Inborn genetic diseases. Identifiers: MedGen C0950123, MeSH D030342.

gnomAD v4.1: 10 of 1,517,926 alleles (0.00066%); highest among the groups gnomAD compares: Non-Finnish European, 0.00088%; no homozygotes.

Submission:

Ambry Genetics
Classification: Uncertain significance for Inborn genetic diseases. Last evaluated: 2021-12-16. Review status: criteria provided, single submitter. Criteria: Ambry Variant Classification Scheme 2023. Collection method: clinical testing. Allele origin: germline.
Comment: The p.S1117C variant (also known as c.3350C>G), located in coding exon 24 of the LTBP3 gene, results from a C to G substitution at nucleotide position 3350. The serine at codon 1117 is replaced by cysteine, an amino acid with dissimilar properties. This amino acid position is conserved. In addition, this alteration is predicted to be tolerated by in silico analysis. Since supporting evidence is limited at this time, the clinical significance of this alteration remains unclear.